The following is an entry in ClinVar:

ClinVar aggregate classification (germline): Benign/Likely benign. Review status: criteria provided, multiple submitters, no conflicts (2 of 4 stars). 20 submissions from 19 submitters: Benign (12); Likely benign (5). 3 of the submissions do not count toward it. Last evaluated 2026-02-04.

Conditions:
Melanoma, uveal, susceptibility to, 2 (UVM2). Also called: Melanoma, uveal 2. Identifiers: Orphanet 39044, MedGen C1847723, MONDO:0011696, OMIM 606661.
BAP1-related tumor predisposition syndrome (TPDS1). Also called: TUMOR PREDISPOSITION SYNDROME 1; Tumor susceptibility linked to germline BAP1 mutations; BAP1 tumor predisposition syndrome; COMMON Syndrome. Identifiers: Orphanet 289539, MedGen C3280492, MONDO:0013692, OMIM 614327.
Hereditary cancer-predisposing syndrome. Also called: Tumor predisposition; Neoplastic Syndromes, Hereditary; Hereditary Cancer Syndrome; Hereditary neoplastic syndrome. Identifiers: Orphanet 140162, MedGen C0027672, MeSH D009386, MONDO:0015356.

Allele frequency attached by ClinVar (database versions not stated): ESP Exome Variant Server 0.00300; TOPMed 0.00306; gnomAD 0.00310 and 0.00390; gnomAD exomes 0.00587 and 0.00594; ExAC 0.00630; 1000 Genomes Project 30x 0.00781; 1000 Genomes Project 0.00839.
gnomAD v4.1: 9,154 of 1,614,056 alleles (0.57%); highest among the groups gnomAD compares: South Asian, 2.3%; 70 homozygotes.

Submissions (20):

Labcorp Genetics (formerly Invitae), Labcorp
Classification: Benign for BAP1-related tumor predisposition syndrome. Last evaluated: 2026-02-04. Review status: criteria provided, single submitter. Criteria: Invitae Variant Classification Sherloc (09022015). Collection method: clinical testing. Allele origin: germline.

Mayo Clinic Laboratories, Mayo Clinic
Classification: Likely benign. Last evaluated: 2025-11-25. Review status: criteria provided, single submitter. Criteria: ACMG Guidelines, 2015. Collection method: clinical testing. Allele origin: germline. Observed: 3 variant alleles.
Comment: BS1, BP4, BP7

Quest Diagnostics Nichols Institute San Juan Capistrano
Classification: Benign. Last evaluated: 2025-05-22. Review status: criteria provided, single submitter. Criteria: Quest Diagnostics criteria. Collection method: clinical testing. Allele origin: unknown.

Center for Genomic Medicine, Rigshospitalet, Copenhagen University Hospital
Classification: Benign. Last evaluated: 2025-03-04. Review status: criteria provided, single submitter. Criteria: ACMG Guidelines, 2015. Collection method: clinical testing. Allele origin: germline.

KCCC/NGS Laboratory, Kuwait Cancer Control Center
Classification: Benign for BAP1-related tumor predisposition syndrome. Last evaluated: 2025-02-01. Review status: criteria provided, single submitter. Criteria: ACMG Guidelines, 2015. Collection method: clinical testing. Allele origin: germline. Affected: no.

Blueprint Genetics
Classification: Likely benign. Last evaluated: 2024-11-21. Review status: criteria provided, single submitter. Criteria: ACMG Guidelines, 2015. Collection method: clinical testing. Allele origin: germline.

Myriad Genetics, Inc.
Classification: Benign for BAP1-related tumor predisposition syndrome. Last evaluated: 2024-07-15. Review status: criteria provided, single submitter. Criteria: Myriad Autosomal Dominant, Autosomal Recessive and X-Linked Classification Criteria (2023). Collection method: clinical testing. Allele origin: unknown.
Comment: This variant is considered benign. This variant is a silent/synonymous amino acid change and it is not expected to impact splicing.

Hereditary Cancer Laboratory, Hospital Universitario 12 de Octubre
Classification: Likely benign for Hereditary cancer-predisposing syndrome. Last evaluated: 2024-05-05. Review status: criteria provided, single submitter. Criteria: ACMG Guidelines, 2015. Collection method: clinical testing. Allele origin: germline.
Comment: BP4+BP6

ARUP Laboratories, Molecular Genetics and Genomics, ARUP Laboratories
Classification: Benign. Last evaluated: 2023-08-25. Review status: criteria provided, single submitter. Criteria: ARUP Molecular Germline Variant Investigation Process 2024. Collection method: clinical testing. Allele origin: germline.

KCCC/NGS Laboratory, Kuwait Cancer Control Center
Classification: Benign for Melanoma, uveal, susceptibility to, 2. Last evaluated: 2023-07-07. Review status: criteria provided, single submitter. Criteria: ACMG Guidelines, 2015. Collection method: clinical testing. Allele origin: germline. Affected: yes.

Department of Pathology and Laboratory Medicine, Sinai Health System
Classification: Benign for BAP1-related tumor predisposition syndrome. Last evaluated: 2021-10-21. Review status: criteria provided, single submitter. Criteria: ACMG Guidelines, 2015. Collection method: clinical testing. Allele origin: germline. Affected: yes.

Genetic Services Laboratory, University of Chicago
Classification: Benign. Last evaluated: 2017-06-02. Review status: criteria provided, single submitter. Criteria: ACMG Guidelines, 2015. Collection method: clinical testing. Allele origin: germline. Affected: no.

GeneDx
Classification: Benign. Last evaluated: 2017-01-27. Review status: criteria provided, single submitter. Criteria: GeneDx Variant Classification (06012015). Collection method: clinical testing. Allele origin: germline. Affected: yes.
Comment: This variant is considered likely benign or benign based on one or more of the following criteria: it is a conservative change, it occurs at a poorly conserved position in the protein, it is predicted to be benign by multiple in silico algorithms, and/or has population frequency not consistent with disease.

Color Diagnostics, LLC DBA Color Health
Classification: Benign for Hereditary cancer-predisposing syndrome. Last evaluated: 2016-03-09. Review status: criteria provided, single submitter. Criteria: ACMG Guidelines, 2015. Collection method: clinical testing. Allele origin: germline.

Ambry Genetics
Classification: Likely benign for Hereditary cancer-predisposing syndrome. Last evaluated: 2015-05-30. Review status: criteria provided, single submitter. Criteria: Ambry Variant Classification Scheme 2023. Collection method: clinical testing. Allele origin: germline.

Breakthrough Genomics
Classification: Likely benign. Review status: criteria provided, single submitter. Criteria: ACMG Guidelines, 2015. Collection method: not provided. Allele origin: germline. Inheritance: Autosomal dominant inheritance. Affected: yes.

PreventionGenetics, part of Exact Sciences
Classification: Benign. Review status: criteria provided, single submitter. Criteria: ACMG Guidelines, 2015. Collection method: clinical testing. Allele origin: germline.

Clinical Genetics DNA and cytogenetics Diagnostics Lab, Erasmus MC, Erasmus Medical Center
Classification: Benign. Review status: no assertion criteria provided. Collection method: clinical testing. Allele origin: germline. Affected: yes. Study: VKGL Data-share Consensus. Not counted in ClinVar's aggregate classification.

Genome Diagnostics Laboratory, Amsterdam University Medical Center
Classification: Benign. Review status: no assertion criteria provided. Collection method: clinical testing. Allele origin: germline. Affected: yes. Study: VKGL Data-share Consensus. Not counted in ClinVar's aggregate classification.

Joint Genome Diagnostic Labs from Nijmegen and Maastricht, Radboudumc and MUMC+
Classification: Likely benign. Review status: no assertion criteria provided. Collection method: clinical testing. Allele origin: germline. Affected: yes. Study: VKGL Data-share Consensus. Not counted in ClinVar's aggregate classification.

Literature cited by the submitters: PubMed 30883995 (cited by Quest Diagnostics Nichols Institute San Juan Capistrano).

NM_004656.4(BAP1):c.1002A>G (p.Leu334=)

Gene: BAP1 (BRCA1 associated deubiquitinase 1; minus strand). Cytogenetic location: 3p21.1.
Variant type: single nucleotide variant.
Coding change: c.1002A>G on transcript NM_004656.4 (MANE Select); coding-DNA position 1002, A replaced by G.
Protein change: p.Leu334=; no amino-acid change (leucine 334 retained).
Molecular consequence: synonymous variant.
Genome position (GRCh38, 1-based): chr3:52,405,224, T>C on the plus strand (A>G on the coding strand, the complement: BAP1 is on the minus strand). VCF-style: chr3-52405224-T-C. GRCh37 (hg19) VCF-style: chr3-52439240-T-C.
Other names: p.Leu334=; c.1002A>G (LRG_529t1).
Identifiers: ClinVar variation 220641 (VCV000220641.51), dbSNP rs28997577, ClinGen allele CA350631.